The following is an entry in ClinVar:

ClinVar aggregate classification (germline): Uncertain significance. Review status: criteria provided, multiple submitters, no conflicts (2 of 4 stars). 3 submissions from 3 submitters: Uncertain significance (3). Last evaluated 2023-09-17.

Conditions:
Wilson disease (WND). Also called: Wilson's disease. Identifiers: Orphanet 905, MedGen C0019202, MONDO:0010200, OMIM 277900. Disease mechanism: loss of function.

Allele frequency attached by ClinVar (database versions not stated): gnomAD exomes below 0.00001.
gnomAD v4.1: 3 of 1,614,234 alleles (0.00019%); highest among the groups gnomAD compares: Middle Eastern, 0.016%; no homozygotes.

Submissions (3):

All of Us Research Program, National Institutes of Health
Classification: Uncertain significance for Wilson disease. Last evaluated: 2023-09-17. Review status: criteria provided, single submitter. Criteria: ACMG Guidelines, 2015. Collection method: clinical testing. Allele origin: germline. Inheritance: Autosomal recessive inheritance. Observed: 1 variant allele, 1 heterozygote.
Comment: This missense variant replaces asparagine with serine at codon 82 of the ATP7B protein. Computational prediction suggests that this variant may not impact protein structure and function (internally defined REVEL score threshold <= 0.5, PMID: 27666373). To our knowledge, functional studies have not been reported for this variant. This variant has not been reported in individuals affected with ATP7B-related disorders in the literature. This variant has not been identified in the general population by the Genome Aggregation Database (gnomAD). The available evidence is insufficient to determine the role of this variant in disease conclusively. Therefore, this variant is classified as a Variant of Uncertain Significance.

This study involves interpretation of variants in research participants for the purpose of population health screening. Participant phenotype was not available at the time of variant classification. Additional details can be found in publication PMID: 35346344, PMCID: PMC8962531

Fulgent Genetics
Classification: Uncertain significance for Wilson disease. Last evaluated: 2021-11-17. Review status: criteria provided, single submitter. Criteria: ACMG Guidelines, 2015. Collection method: clinical testing. Allele origin: unknown.

Eurofins Ntd Llc (ga)
Classification: Uncertain significance. Last evaluated: 2017-05-30. Review status: criteria provided, single submitter. Criteria: EGL Classification Definitions 2015. Collection method: clinical testing. Allele origin: germline. Observed: 1 variant allele, 1 heterozygote.

NM_000053.4(ATP7B):c.245A>G (p.Asn82Ser)

Gene: ATP7B (ATPase copper transporting beta; minus strand). Cytogenetic location: 13q14.3.
Variant type: single nucleotide variant.
Coding change: c.245A>G on transcript NM_000053.4 (MANE Select); coding-DNA position 245, A replaced by G.
Protein change: p.Asn82Ser; replaces asparagine 82 with serine.
Molecular consequence: missense variant.
Genome position (GRCh38, 1-based): chr13:51,974,975, T>C on the plus strand (A>G on the coding strand, the complement: ATP7B is on the minus strand). VCF-style: chr13-51974975-T-C. GRCh37 (hg19) VCF-style: chr13-52549111-T-C.
Other names: c.245A>G, p.Asn82Ser (NM_001005918.3, NM_001243182.2, NM_001330578.2 and 1 more transcripts); short protein forms N82S.
Identifiers: ClinVar variation 502166 (VCV000502166.7), dbSNP rs1555296815, ClinGen allele CA388044777.
Genomic context (GRCh38, chr13:51,974,975, plus strand): 5'-TATTTCACAGTGGCACTGCCTTGTTCCAGGGAAACCTTCATGCTGATGATGCCTTTCAAA[T>C]TGGAAATCCTGTCCTCAATGGACTTCACACATGACTGGCAAGTCATGCCCAAGATCCTGA-3'
Protein context (NP_000044.2, residues 72-92): CVKSIEDRIS[Asn82Ser]LKGIISMKVS